The following is an entry in ClinVar:

ClinVar aggregate classification (germline): Uncertain significance (1 of 4 stars; one submission).

Conditions:
Retinitis pigmentosa 20 (RP20). Identifiers: Orphanet 791, MedGen C3151086, MONDO:0013425, OMIM 613794.
Leber congenital amaurosis 2 (LCA2). Also called: AMAUROSIS CONGENITA OF LEBER II; Autosomal Recessive RPE65-Related Retinal Degeneration. Identifiers: Orphanet 65, MedGen C1859844, MONDO:0008765, OMIM 204100. Disease mechanism: loss of function.

Submission:

Labcorp Genetics (formerly Invitae), Labcorp
Classification: Uncertain significance for Leber congenital amaurosis 2; Retinitis pigmentosa 20. Last evaluated: 2020-10-29. Review status: criteria provided, single submitter. Criteria: Invitae Variant Classification Sherloc (09022015). Collection method: clinical testing. Allele origin: germline.
Comment: In summary, the available evidence is currently insufficient to determine the role of this variant in disease. Therefore, it has been classified as a Variant of Uncertain Significance. Algorithms developed to predict the effect of sequence changes on RNA splicing suggest that this variant may create or strengthen a splice site, but this prediction has not been confirmed by published transcriptional studies. Algorithms developed to predict the effect of missense changes on protein structure and function (SIFT, PolyPhen-2, Align-GVGD) all suggest that this variant is likely to be tolerated, but these predictions have not been confirmed by published functional studies and their clinical significance is uncertain. This variant has not been reported in the literature in individuals with RPE65-related conditions. This variant is not present in population databases (ExAC no frequency). This sequence change replaces glutamic acid with valine at codon 217 of the RPE65 protein (p.Glu217Val). The glutamic acid residue is moderately conserved and there is a moderate physicochemical difference between glutamic acid and valine.

NM_000329.3(RPE65):c.650A>T (p.Glu217Val)

Gene: RPE65 (retinoid isomerohydrolase RPE65; minus strand). Cytogenetic location: 1p31.3.
Variant type: single nucleotide variant.
Coding change: c.650A>T on transcript NM_000329.3 (MANE Select); coding-DNA position 650, A replaced by T.
Protein change: p.Glu217Val; replaces glutamic acid 217 with valine.
Molecular consequence: missense variant.
Genome position (GRCh38, 1-based): chr1:68,439,636, T>A on the plus strand (A>T on the coding strand, the complement: RPE65 is on the minus strand). VCF-style: chr1-68439636-T-A. GRCh37 (hg19) VCF-style: chr1-68905319-T-A.
Other names: short protein forms E217V.
Identifiers: ClinVar variation 1484886 (VCV001484886.8), dbSNP rs777646597, ClinGen allele CA340746065.